The following is an entry in ClinVar:

NM_147127.5(EVC2):c.871-295A>G

Gene: EVC2 (EvC ciliary complex subunit 2; minus strand). Cytogenetic location: 4p16.2.
Variant type: single nucleotide variant.
Coding change: c.871-295A>G on transcript NM_147127.5 (MANE Select); 295 bases into the intron before coding-DNA position 871, A replaced by G.
Molecular consequence: intron variant.
Genome position (GRCh38, 1-based): chr4:5,665,944, T>C on the plus strand (A>G on the coding strand, the complement: EVC2 is on the minus strand). VCF-style: chr4-5665944-T-C. GRCh37 (hg19) VCF-style: chr4-5667671-T-C.
Other names: c.631-295A>G (NM_001166136.2).
Identifiers: ClinVar variation 667866 (VCV000667866.1), dbSNP rs4524330, ClinGen allele CA11634175.
Genomic context (GRCh38, chr4:5,665,944, plus strand): 5'-CACACAATAGCACCATCCAGCCGCACGCCTAGCACATCACAGACACTCAAGAATGTTAAG[T>C]TTCCAAATCAAAAACATGATAATCCAAAGGAAGCACTAGGGATCCGTGACATTTTCTGAG-3'

ClinVar aggregate classification (germline): Benign (1 of 4 stars; one submission).

Allele frequency attached by ClinVar (database versions not stated): 1000 Genomes Project 0.27256; 1000 Genomes Project 30x 0.27374; TOPMed 0.30915; gnomAD 0.31627 and 0.32115.
gnomAD v4.1: 48,110 of 151,996 alleles (32%); highest among the groups gnomAD compares: Middle Eastern, 34%; 7,662 homozygotes.

Submission:

GeneDx
Classification: Benign. Last evaluated: 2018-06-19. Review status: criteria provided, single submitter. Criteria: GeneDx Variant Classification (06012015). Collection method: clinical testing. Allele origin: germline. Affected: yes.
Comment: This variant is considered likely benign or benign based on one or more of the following criteria: it is a conservative change, it occurs at a poorly conserved position in the protein, it is predicted to be benign by multiple in silico algorithms, and/or has population frequency not consistent with disease.